The following is an entry in ClinVar:

NM_001374259.2(IL12RB2):c.50C>A (p.Thr17Lys)

Gene: IL12RB2 (interleukin 12 receptor subunit beta 2; plus strand). Cytogenetic location: 1p31.3.
Variant type: single nucleotide variant.
Coding change: c.50C>A on transcript NM_001374259.2 (MANE Select); coding-DNA position 50, C replaced by A.
Protein change: p.Thr17Lys; replaces threonine 17 with lysine.
Molecular consequence: missense variant. On other transcripts: non-coding transcript variant (2).
Genome position (GRCh38, 1-based): chr1:67,320,418, C>A. VCF-style: chr1-67320418-C-A. GRCh37 (hg19) VCF-style: chr1-67786101-C-A.
Other names: c.50C>A, p.Thr17Lys (NM_001258214.1, NM_001258215.1, NM_001258216.1 and 2 more transcripts); short protein forms T17K.
Identifiers: ClinVar variation 3011858 (VCV003011858.3), dbSNP rs200115195, ClinGen allele CA23494391.

ClinVar aggregate classification (germline): Uncertain significance (1 of 4 stars; one submission).

gnomAD v4.1: 2 of 1,613,892 alleles (0.00012%); highest among the groups gnomAD compares: Middle Eastern, 0.017%; no homozygotes.

Submission:

Labcorp Genetics (formerly Invitae), Labcorp
Classification: Uncertain significance. Last evaluated: 2023-11-18. Review status: criteria provided, single submitter. Criteria: Invitae Variant Classification Sherloc (09022015). Collection method: clinical testing. Allele origin: germline.
Comment: This sequence change replaces threonine, which is neutral and polar, with lysine, which is basic and polar, at codon 17 of the IL12RB2 protein (p.Thr17Lys). This variant is present in population databases (no rsID available, gnomAD 0.0009%). This variant has not been reported in the literature in individuals affected with IL12RB2-related conditions. An algorithm developed to predict the effect of missense changes on protein structure and function (PolyPhen-2) suggests that this variant is likely to be tolerated. In summary, the available evidence is currently insufficient to determine the role of this variant in disease. Therefore, it has been classified as a Variant of Uncertain Significance.